The following is an entry in ClinVar:

NM_032776.3(JMJD1C):c.3954G>T (p.Met1318Ile)

Gene: JMJD1C (jumonji domain containing 1C; minus strand). Cytogenetic location: 10q21.3.
Variant type: single nucleotide variant.
Coding change: c.3954G>T on transcript NM_032776.3 (MANE Select); coding-DNA position 3954, G replaced by T.
Protein change: p.Met1318Ile; replaces methionine 1318 with isoleucine.
Molecular consequence: missense variant. On other transcripts: non-coding transcript variant (1).
Genome position (GRCh38, 1-based): chr10:63,207,715, C>A on the plus strand (G>T on the coding strand, the complement: JMJD1C is on the minus strand). VCF-style: chr10-63207715-C-A. GRCh37 (hg19) VCF-style: chr10-64967475-C-A.
Other names: c.3408G>T, p.Met1136Ile (NM_001282948.2, NM_001318154.2); c.3090G>T, p.Met1030Ile (NM_001318153.2); c.3840G>T, p.Met1280Ile (NM_001322252.2); c.3297G>T, p.Met1099Ile (NM_001322254.2, NM_001322258.2); c.3954G>T (NM_032776.1); short protein forms M1030I, M1136I, M1280I, M1099I, M1318I.
Identifiers: ClinVar variation 1043497 (VCV001043497.11), dbSNP rs1846809888, ClinGen allele CA377039641.
Genomic context (GRCh38, chr10:63,207,715, plus strand): 5'-ATGTGCCCCAGCTGAAGATCTTTCACTAACACGATCTTTAGAAGCTAACTGCATTGCTGG[C>A]ATACTATCAGTTTTTGTACTAGAAGATGGACGCACAATGACAGATGCCATAGCAGCCTGT-3'
Protein context (NP_116165.1, residues 1308-1328): RPSSSTKTDS[Met1318Ile]PAMQLASKDR

ClinVar aggregate classification (germline): Uncertain significance. Review status: criteria provided, multiple submitters, no conflicts (2 of 4 stars). 2 submissions from 2 submitters: Uncertain significance (2). Last evaluated 2022-07-12.

Conditions:
Early Myoclonic Encephalopathy. Identifiers: MedGen C0270855.

Allele frequency attached by ClinVar (database versions not stated): gnomAD 0.00001; TOPMed 0.00001.

Submissions (2):

Ambry Genetics
Classification: Uncertain significance. Last evaluated: 2022-07-12. Review status: criteria provided, single submitter. Criteria: Ambry Variant Classification Scheme 2023. Collection method: clinical testing. Allele origin: germline.

Labcorp Genetics (formerly Invitae), Labcorp
Classification: Uncertain significance for Early Myoclonic Encephalopathy. Last evaluated: 2020-03-18. Review status: criteria provided, single submitter. Criteria: Invitae Variant Classification Sherloc (09022015). Collection method: clinical testing. Allele origin: germline.
Comment: This variant has not been reported in the literature in individuals with JMJD1C-related conditions. This variant is not present in population databases (ExAC no frequency). This sequence change replaces methionine with isoleucine at codon 1318 of the JMJD1C protein (p.Met1318Ile). The methionine residue is weakly conserved and there is a small physicochemical difference between methionine and isoleucine. In summary, the available evidence is currently insufficient to determine the role of this variant in disease. Therefore, it has been classified as a Variant of Uncertain Significance. Algorithms developed to predict the effect of missense changes on protein structure and function (SIFT, PolyPhen-2, Align-GVGD) all suggest that this variant is likely to be tolerated, but these predictions have not been confirmed by published functional studies and their clinical significance is uncertain.